The following is an entry in ClinVar:

ClinVar aggregate classification (germline): Pathogenic. Review status: criteria provided, single submitter (1 of 4 stars). 2 submissions from 2 submitters: Pathogenic (1). 1 of the submissions does not count toward it. Last evaluated 2024-03-07.

Conditions:
X-linked intellectual disability Cabezas type (MRXSC). Also called: MENTAL RETARDATION, X-LINKED, SYNDROMIC 15; CABEZAS SYNDROME; Intellectual developmental disorder, X-linked syndromic, Cabezas type. Identifiers: Orphanet 85289, Orphanet 85293, MedGen C1845861, MONDO:0010306, OMIM 300354.

Submissions (2):

GeneDx
Classification: Pathogenic. Last evaluated: 2024-03-07. Review status: criteria provided, single submitter. Criteria: GeneDx Variant Classification Process June 2021. Collection method: clinical testing. Allele origin: germline. Affected: yes.
Comment: In silico analysis supports that this missense variant has a deleterious effect on protein structure/function; Not observed at significant frequency in large population cohorts (gnomAD); This variant is associated with the following publications: (PMID: 23348097, 20064923, 19377476, 17236139, 28454995, 21816345)

OMIM
Classification: Pathogenic for INTELLECTUAL DEVELOPMENTAL DISORDER, X-LINKED, SYNDROMIC, CABEZAS TYPE. Last evaluated: 2007-02-01. Review status: no assertion criteria provided. Collection method: literature only. Allele origin: germline. Not counted in ClinVar's aggregate classification.

Literature cited by the submitters: PubMed 17236139 (cited by OMIM); PubMed 10978355 (cited by OMIM).

NM_001079872.2(CUL4B):c.1660C>T (p.Arg554Cys)

Gene: CUL4B (cullin 4B; minus strand). Cytogenetic location: Xq24.
Variant type: single nucleotide variant.
Coding change: c.1660C>T on transcript NM_001079872.2 (MANE Select); coding-DNA position 1660, C replaced by T.
Protein change: p.Arg554Cys; replaces arginine 554 with cysteine.
Molecular consequence: missense variant.
Genome position (GRCh38, 1-based): chrX:120,539,349, G>A on the plus strand (C>T on the coding strand, the complement: CUL4B is on the minus strand). VCF-style: chrX-120539349-G-A. GRCh37 (hg19) VCF-style: chrX-119673204-G-A.
Other names: c.1675C>T, p.Arg559Cys (NM_001330624.2); c.1126C>T, p.Arg376Cys (NM_001369145.1); c.1714C>T, p.Arg572Cys (NM_003588.4); short protein forms R572C, R554C, R376C, R559C.
Identifiers: ClinVar variation 11338 (VCV000011338.9), dbSNP rs121434615, ClinGen allele CA214661.
Genomic context (GRCh38, chrX:120,539,349, plus strand): 5'-TCATAATTTTATCCAACATTTTCTCAAGTTCTTCATCTGTAGCTTCTTTGTTGCCTGCAC[G>A]AAGTTTTGAATCTACATACTTAGCTAAAATGGGGGAAAAGTTTGTTGTTTAATAACCGGG-3'
Protein context (NP_001073341.1, residues 544-564): LIAKYVDSKL[Arg554Cys]AGNKEATDEE